The following is an entry in ClinVar:

NM_015141.4(GPD1L):c.48-6_48-3dup

Gene: GPD1L (glycerol-3-phosphate dehydrogenase 1 like; plus strand). Cytogenetic location: 3p22.3.
Variant type: Duplication.
Coding change: c.48-6_48-3dup on transcript NM_015141.4 (MANE Select); 6 bases into the intron before coding-DNA position 48 through 3 bases into the intron before coding-DNA position 48, 4 bases duplicated (TTGT; older notation c.48-6_48-3dupTTGT).
Molecular consequence: intron variant.
Genome position (GRCh38, 1-based): chr3:32,128,070-32,128,073, TTGT duplicated; duplicating any 4 consecutive bases within chr3:32,128,069-32,128,073 gives the same sequence; the c. name uses the placement nearest the transcript's 3' end. VCF-style (leftmost placement, unchanged base first): chr3-32128068-T-TTTTG. GRCh37 (hg19) VCF-style: chr3-32169560-T-TTTTG.
Other names: c.48-6_48-3dupTTGT (NM_015141.3).
Identifiers: ClinVar variation 507174 (VCV000507174.1), dbSNP rs1553658254, ClinGen allele CA658796272.

ClinVar aggregate classification (germline): Likely benign (1 of 4 stars; one submission).

Submission:

GeneDx
Classification: Likely benign. Last evaluated: 2017-02-01. Review status: criteria provided, single submitter. Criteria: GeneDx Variant Classification (06012015). Collection method: clinical testing. Allele origin: germline. Affected: yes.
Comment: This variant is considered likely benign or benign based on one or more of the following criteria: it is a conservative change, it occurs at a poorly conserved position in the protein, it is predicted to be benign by multiple in silico algorithms, and/or has population frequency not consistent with disease.